The following is an entry in ClinVar:

NM_000393.5(COL5A2):c.1869+3G>A

Gene: COL5A2 (collagen type V alpha 2 chain; minus strand). Cytogenetic location: 2q32.2.
Variant type: single nucleotide variant.
Coding change: c.1869+3G>A on transcript NM_000393.5 (MANE Select); 3 bases into the intron after coding-DNA position 1869, G replaced by A.
Molecular consequence: intron variant.
Genome position (GRCh38, 1-based): chr2:189,063,169, C>T on the plus strand (G>A on the coding strand, the complement: COL5A2 is on the minus strand). VCF-style: chr2-189063169-C-T. GRCh37 (hg19) VCF-style: chr2-189927895-C-T.
Identifiers: ClinVar variation 2989247 (VCV002989247.3), dbSNP rs1686072492, ClinGen allele CA1315430455.

ClinVar aggregate classification (germline): Uncertain significance (1 of 4 stars; one submission).

Conditions:
Ehlers-Danlos syndrome, classic type, 1 (EDSCL1). Also called: EDS I; EHLERS-DANLOS SYNDROME, GRAVIS TYPE; EHLERS-DANLOS SYNDROME, SEVERE CLASSIC TYPE; Ehlers-Danlos syndrome, type 1; Ehlers-Danlos Syndrome, Classic Type, COL5A1-Related. Identifiers: MedGen C0268335, MONDO:0019567, OMIM 130000.

Allele frequency attached by ClinVar (database versions not stated): gnomAD exomes below 0.00001; TOPMed below 0.00001.
gnomAD v4.1: 1 of 1,613,904 alleles (0.000062%); highest among the groups gnomAD compares: South Asian, 0.0011%; no homozygotes.

Submission:

Labcorp Genetics (formerly Invitae), Labcorp
Classification: Uncertain significance for Ehlers-Danlos syndrome, classic type, 1. Last evaluated: 2023-02-04. Review status: criteria provided, single submitter. Criteria: Invitae Variant Classification Sherloc (09022015). Collection method: clinical testing. Allele origin: germline.
Comment: This sequence change falls in intron 27 of the COL5A2 gene. It does not directly change the encoded amino acid sequence of the COL5A2 protein. It affects a nucleotide within the consensus splice site. This variant is not present in population databases (gnomAD no frequency). This variant has not been reported in the literature in individuals affected with COL5A2-related conditions. Variants that disrupt the consensus splice site are a relatively common cause of aberrant splicing (PMID: 17576681, 9536098). Algorithms developed to predict the effect of sequence changes on RNA splicing suggest that this variant is not likely to affect RNA splicing. In summary, the available evidence is currently insufficient to determine the role of this variant in disease. Therefore, it has been classified as a Variant of Uncertain Significance.

Literature cited by the submitters: PubMed 17576681; PubMed 9536098.